The following is an entry in ClinVar:

ClinVar aggregate classification (germline): Uncertain significance. Review status: criteria provided, multiple submitters, no conflicts (2 of 4 stars). 2 submissions from 2 submitters: Uncertain significance (2). Last evaluated 2025-04-17.

Conditions:
Inborn genetic diseases. Identifiers: MedGen C0950123, MeSH D030342.
Pulmonary fibrosis and/or bone marrow failure, Telomere-related, 3. Also called: PULMONARY FIBROSIS AND/OR BONE MARROW FAILURE SYNDROME, TELOMERE-RELATED, 3. Identifiers: Orphanet 2032, MedGen C4225346, MONDO:0014613, OMIM 616373.
Dyskeratosis congenita, autosomal recessive 5 (DKCB5). Identifiers: MedGen C3554656, MONDO:0014076, OMIM 615190.

gnomAD v4.1: 3 of 1,613,084 alleles (0.00019%); highest among the groups gnomAD compares: African/African-American, 0.004%; no homozygotes.

Submissions (2):

Labcorp Genetics (formerly Invitae), Labcorp
Classification: Uncertain significance for Dyskeratosis congenita, autosomal recessive 5; Pulmonary fibrosis and/or bone marrow failure, Telomere-related, 3. Last evaluated: 2025-04-17. Review status: criteria provided, single submitter. Criteria: Invitae Variant Classification Sherloc (09022015). Collection method: clinical testing. Allele origin: germline.
Comment: This sequence change replaces glutamic acid, which is acidic and polar, with valine, which is neutral and non-polar, at codon 298 of the RTEL1 protein (p.Glu298Val). This variant is present in population databases (rs371358427, gnomAD 0.007%). This variant has not been reported in the literature in individuals affected with RTEL1-related conditions. An algorithm developed to predict the effect of missense changes on protein structure and function (PolyPhen-2) suggests that this variant is likely to be tolerated. In summary, the available evidence is currently insufficient to determine the role of this variant in disease. Therefore, it has been classified as a Variant of Uncertain Significance.

Ambry Genetics
Classification: Uncertain significance for Inborn genetic diseases. Last evaluated: 2025-02-16. Review status: criteria provided, single submitter. Criteria: Ambry Variant Classification Scheme 2023. Collection method: clinical testing. Allele origin: germline.
Comment: The p.E298V variant (also known as c.893A>T), located in coding exon 9 of the RTEL1 gene, results from an A to T substitution at nucleotide position 893. The glutamic acid at codon 298 is replaced by valine, an amino acid with dissimilar properties. This amino acid position is conserved. In addition, the in silico prediction for this alteration is inconclusive. Based on the available evidence, the clinical significance of this variant remains unclear.

NM_001283009.2(RTEL1):c.893A>T (p.Glu298Val)

Genes: RTEL1 (regulator of telomere elongation helicase 1; plus strand), RTEL1-TNFRSF6B (RTEL1-TNFRSF6B readthrough (NMD candidate); plus strand). Cytogenetic location: 20q13.33.
Variant type: single nucleotide variant.
Coding change: c.893A>T on transcript NM_001283009.2 (MANE Select); coding-DNA position 893, A replaced by T.
Protein change: p.Glu298Val; replaces glutamic acid 298 with valine.
Molecular consequence: missense variant. On other transcripts: non-coding transcript variant (1).
Genome position (GRCh38, 1-based): chr20:63,674,067, A>T. VCF-style: chr20-63674067-A-T. GRCh37 (hg19) VCF-style: chr20-62305420-A-T.
Other names: c.224A>T, p.Glu75Val (NM_001283010.1); c.893A>T, p.Glu298Val (NM_016434.4); c.965A>T, p.Glu322Val (NM_032957.5); short protein forms E298V, E322V, E75V.
Identifiers: ClinVar variation 3791156 (VCV003791156.2).